The following is an entry in ClinVar:

NM_001204.7(BMPR2):c.*1226C>A

Gene: BMPR2 (bone morphogenetic protein receptor type 2; plus strand). Cytogenetic location: 2q33.2.
Variant type: single nucleotide variant.
Coding change: c.*1226C>A on transcript NM_001204.7 (MANE Select); 1226 bases downstream of the stop codon, C replaced by A.
Molecular consequence: 3 prime UTR variant.
Genome position (GRCh38, 1-based): chr2:202,561,172, C>A. VCF-style: chr2-202561172-C-A. GRCh37 (hg19) VCF-style: chr2-203425895-C-A.
Other names: c.*1226C>A (LRG_712t1).
Identifiers: ClinVar variation 333667 (VCV000333667.5), dbSNP rs149892154, ClinGen allele CA10612505.
Genomic context (GRCh38, chr2:202,561,172, plus strand): 5'-TCTGAAAATGATTCCTCTTCCCATGACCTAAAACACTGTGAGGAAAAATCATTCAAGTGG[C>A]ATGCCAAGTCCCTATGAAGGAAGGGCTGCTATCAAACCTACCTTTTTTGAGCAAACTGAG-3'

ClinVar aggregate classification (germline): Benign (1 of 4 stars; one submission).

Conditions:
Pulmonary hypertension, primary, 1 (PPH1). Also called: Pulmonary hypertension, familial primary, 1, with or without HHT. Identifiers: Orphanet 422, MedGen C4552070, MONDO:0024533, OMIM 178600.

Allele frequency attached by ClinVar (database versions not stated): gnomAD 0.00006 and 0.00001; 1000 Genomes Project 30x 0.00047; TOPMed 0.00001; 1000 Genomes Project 0.00060.

Submission:

Illumina Laboratory Services, Illumina
Classification: Benign for Pulmonary hypertension, primary, 1. Last evaluated: 2018-01-13. Review status: criteria provided, single submitter. Criteria: ICSL Variant Classification Criteria 13 December 2019. Collection method: clinical testing. Allele origin: germline.
Comment: This variant was observed in the ICSL laboratory as part of a predisposition screen in an ostensibly healthy population. It had not been previously curated by ICSL or reported in the Human Gene Mutation Database (HGMD: prior to June 1st, 2018), and was therefore a candidate for classification through an automated scoring system. Utilizing variant allele frequency, disease prevalence and penetrance estimates, and inheritance mode, an automated score was calculated to assess if this variant is too frequent to cause the disease. Based on the score and internal cut-off values, a variant classified as benign is not then subjected to further curation. The score for this variant resulted in a classification of benign for this disease.